The following is an entry in ClinVar:

ClinVar aggregate classification (germline): Benign/Likely benign. Review status: criteria provided, multiple submitters, no conflicts (2 of 4 stars). 3 submissions from 3 submitters: Benign (1); Likely benign (2). Last evaluated 2026-01-28.

Conditions:
Hereditary diffuse gastric adenocarcinoma (HDGC). Also called: DIFFUSE GASTRIC AND LOBULAR BREAST CANCER SYNDROME. Identifiers: Orphanet 26106, MedGen C1708349, MONDO:0007648, OMIM 137215.
Hereditary cancer-predisposing syndrome. Also called: Tumor predisposition; Neoplastic Syndromes, Hereditary; Hereditary Cancer Syndrome; Hereditary neoplastic syndrome. Identifiers: Orphanet 140162, MedGen C0027672, MeSH D009386, MONDO:0015356.

Allele frequency attached by ClinVar (database versions not stated): gnomAD exomes below 0.00001; TOPMed below 0.00001.
gnomAD v4.1: 1 of 1,614,174 alleles (0.000062%); highest among the groups gnomAD compares: Non-Finnish European, 0.000085%; no homozygotes.

Submissions (3):

Labcorp Genetics (formerly Invitae), Labcorp
Classification: Likely benign. Last evaluated: 2026-01-28. Review status: criteria provided, single submitter. Criteria: Invitae Variant Classification Sherloc (09022015). Collection method: clinical testing. Allele origin: germline.

Myriad Genetics, Inc.
Classification: Benign for Hereditary diffuse gastric adenocarcinoma. Last evaluated: 2024-10-09. Review status: criteria provided, single submitter. Criteria: Myriad Autosomal Dominant, Autosomal Recessive and X-Linked Classification Criteria (2023). Collection method: clinical testing. Allele origin: unknown.
Comment: This variant is considered benign. This variant is a silent/synonymous amino acid change and it is not expected to impact splicing.

Ambry Genetics
Classification: Likely benign for Hereditary cancer-predisposing syndrome. Last evaluated: 2021-04-14. Review status: criteria provided, single submitter. Criteria: Ambry Variant Classification Scheme 2023. Collection method: clinical testing. Allele origin: germline.

NM_001903.5(CTNNA1):c.189A>G (p.Ala63=)

Gene: CTNNA1 (catenin alpha 1; plus strand). Cytogenetic location: 5q31.2.
Variant type: single nucleotide variant.
Coding change: c.189A>G on transcript NM_001903.5 (MANE Select); coding-DNA position 189, A replaced by G.
Protein change: p.Ala63=; no amino-acid change (alanine 63 retained).
Molecular consequence: synonymous variant. On other transcripts: 5 prime UTR variant (1), intron variant (1).
Genome position (GRCh38, 1-based): chr5:138,783,260, A>G. VCF-style: chr5-138783260-A-G. GRCh37 (hg19) VCF-style: chr5-138118949-A-G.
Other names: c.-18A>G (NM_001290310.3); c.189A>G, p.Ala63= (NM_001323982.2, NM_001323983.1, NM_001323984.2 and 3 more transcripts); c.-9+1231A>G (NM_001290309.3).
Identifiers: ClinVar variation 1089587 (VCV001089587.12), dbSNP rs1580984275, ClinGen allele CA446725110.